The following is an entry in ClinVar:

ClinVar aggregate classification (germline): Likely pathogenic (1 of 4 stars; one submission).

Conditions:
Primary ciliary dyskinesia 3. Identifiers: Orphanet 244, MedGen C1837618, MONDO:0012085, OMIM 608644.

Submission:

Myriad Genetics, Inc.
Classification: Likely pathogenic for Primary ciliary dyskinesia 3. Last evaluated: 2022-02-17. Review status: criteria provided, single submitter. Criteria: Myriad Women's Health Autosomal Recessive and X-Linked Classification Criteria (2021). Collection method: clinical testing. Allele origin: unknown.
Comment: NM_001369.2(DNAH5):c.12816_12817delCA(F4272Lfs*2) is expected to be pathogenic in the context of DNAH5-related primary ciliary dyskinesia. This variant is predicted to lead to an abnormal or absent protein product due to the creation of a premature termination codon in DNAH5, a gene where loss-of-function variants are known to be pathogenic. Please note: this variant was assessed in the context of healthy population screening.

NM_001369.3(DNAH5):c.12816_12817del (p.Phe4272fs)

Gene: DNAH5 (dynein axonemal heavy chain 5; minus strand). Cytogenetic location: 5p15.2.
Variant type: Deletion.
Coding change: c.12816_12817del on transcript NM_001369.3 (MANE Select); coding-DNA positions 12816 to 12817, 2 bases deleted (CA; older notation c.12816_12817delCA).
Protein change: p.Phe4272fs; shifts the reading frame from phenylalanine 4272.
Molecular consequence: frameshift variant.
Genome position (GRCh38, 1-based): chr5:13,716,579-13,716,580, TG deleted on the plus strand (CA on the coding strand, the reverse complement: DNAH5 is on the minus strand). VCF-style (leftmost placement, unchanged base first): chr5-13716578-CTG-C. GRCh37 (hg19) VCF-style: chr5-13716687-CTG-C.
Other names: short protein forms F4272fs.
Identifiers: ClinVar variation 1724495 (VCV001724495.2), dbSNP rs2546508989, ClinGen allele CA2580071984.